The following is an entry in ClinVar:

ClinVar aggregate classification (germline): Conflicting classifications of pathogenicity. Review status: criteria provided, conflicting classifications (1 of 4 stars). 6 submissions from 5 submitters: Uncertain significance (4); Likely benign (1). 1 of the submissions does not count toward it. Last evaluated 2024-07-18.

Conditions:
Nephronophthisis. Also called: Juvenile Nephronophthisis. Identifiers: Orphanet 655, MedGen C0687120, MONDO:0019005, HP:0000090.
Jeune thoracic dystrophy. Also called: Short-rib thoracic dysplasia; Infantile thoracic dystrophy; Thoracic pelvic phalangeal dystrophy; Jeune's syndrome; Chondroectodermal dysplasia-like syndrome; Jeune syndrome. Identifiers: Orphanet 474, MedGen C0265275, MONDO:0018770.
Asphyxiating thoracic dystrophy 4 (SRTD4). Also called: SHORT-RIB THORACIC DYSPLASIA 4 WITH OR WITHOUT POLYDACTYLY; SHORT-RIB THORACIC DYSPLASIA 4. Identifiers: Orphanet 474, MedGen C3151185, MONDO:0013441, OMIM 613819.
Nephronophthisis 12 (NPHP12). Identifiers: Orphanet 655, MedGen C3151186, MONDO:0013442, OMIM 613820.
TTC21B-related disorder. Also called: TTC21B-related condition; TTC21B-related disorders.

Allele frequency attached by ClinVar (database versions not stated): TOPMed 0.00003; gnomAD 0.00008 and 0.00009; gnomAD exomes 0.00009 and 0.00012; ExAC 0.00023.
gnomAD v4.1: 102 of 925,488 alleles (0.011%); highest among the groups gnomAD compares: South Asian, 0.038%; no homozygotes.

Submissions (6):

Blueprint Genetics
Classification: Likely benign. Last evaluated: 2024-07-18. Review status: criteria provided, single submitter. Criteria: ACMG Guidelines, 2015. Collection method: clinical testing. Allele origin: germline.

Labcorp Genetics (formerly Invitae), Labcorp
Classification: Uncertain significance for Jeune thoracic dystrophy; Nephronophthisis. Last evaluated: 2024-01-08. Review status: criteria provided, single submitter. Criteria: Invitae Variant Classification Sherloc (09022015). Collection method: clinical testing. Allele origin: germline.
Comment: This sequence change replaces glutamic acid, which is acidic and polar, with alanine, which is neutral and non-polar, at codon 5 of the TTC21B protein (p.Glu5Ala). This variant is present in population databases (rs778812789, gnomAD 0.04%). This variant has not been reported in the literature in individuals affected with TTC21B-related conditions. ClinVar contains an entry for this variant (Variation ID: 331844). An algorithm developed to predict the effect of missense changes on protein structure and function (PolyPhen-2) suggests that this variant¬†is likely to be tolerated. In summary, the available evidence is currently insufficient to determine the role of this variant in disease. Therefore, it has been classified as a Variant of Uncertain Significance.

Fulgent Genetics
Classification: Uncertain significance for Asphyxiating thoracic dystrophy 4; Nephronophthisis 12. Last evaluated: 2022-01-05. Review status: criteria provided, single submitter. Criteria: ACMG Guidelines, 2015. Collection method: clinical testing. Allele origin: unknown.

Illumina Laboratory Services, Illumina
Classification: Uncertain significance for Nephronophthisis 12. Last evaluated: 2018-01-13. Review status: criteria provided, single submitter. Criteria: ICSL Variant Classification Criteria 13 December 2019. Collection method: clinical testing. Allele origin: germline.

Illumina Laboratory Services, Illumina
Classification: Uncertain significance for Asphyxiating thoracic dystrophy 4. Last evaluated: 2018-01-13. Review status: criteria provided, single submitter. Criteria: ICSL Variant Classification Criteria 13 December 2019. Collection method: clinical testing. Allele origin: germline.

PreventionGenetics, part of Exact Sciences
Classification: Uncertain significance for TTC21B-related condition. Last evaluated: 2024-09-04. Review status: no assertion criteria provided. Collection method: clinical testing. Allele origin: germline. Not counted in ClinVar's aggregate classification.
Comment: The TTC21B c.14A>C variant is predicted to result in the amino acid substitution p.Glu5Ala. To our knowledge, this variant has not been reported in the literature. This variant is reported in 0.035% of alleles in individuals of South Asian descent in gnomAD. At this time, the clinical significance of this variant is uncertain due to the absence of conclusive functional and genetic evidence.

NM_024753.5(TTC21B):c.14A>C (p.Glu5Ala)

Gene: TTC21B (tetratricopeptide repeat domain 21B; minus strand). Cytogenetic location: 2q24.3.
Variant type: single nucleotide variant.
Coding change: c.14A>C on transcript NM_024753.5 (MANE Select); coding-DNA position 14, A replaced by C.
Protein change: p.Glu5Ala; replaces glutamic acid 5 with alanine.
Molecular consequence: missense variant.
Genome position (GRCh38, 1-based): chr2:165,953,692, T>G on the plus strand (A>C on the coding strand, the complement: TTC21B is on the minus strand). VCF-style: chr2-165953692-T-G. GRCh37 (hg19) VCF-style: chr2-166810202-T-G.
Other names: short protein forms E5A.
Identifiers: ClinVar variation 331844 (VCV000331844.11), dbSNP rs778812789, ClinGen allele CA1942599.
Genomic context (GRCh38, chr2:165,953,692, plus strand): 5'-AAAGGAACTCCGCCCGCCCGCCCGCTCACCCGCTCACCCGCTCACCCGCTCACCTTCAAT[T>G]CCTGCGAGTCCATGGCTGCCCCGAGGCCGGGCCGCGGGGCTCTGGGGATTGTCTCGCCGC-3'
Protein context (NP_079029.3, residues 1-15): MDSQ[Glu5Ala]LKTLINYYCQ